The following is an entry in ClinVar:

NM_006420.3(ARFGEF2):c.1256G>C (p.Gly419Ala)

Gene: ARFGEF2 (ARF guanine nucleotide exchange factor 2; plus strand). Cytogenetic location: 20q13.13.
Variant type: single nucleotide variant.
Coding change: c.1256G>C on transcript NM_006420.3 (MANE Select); coding-DNA position 1256, G replaced by C.
Protein change: p.Gly419Ala; replaces glycine 419 with alanine.
Molecular consequence: missense variant.
Genome position (GRCh38, 1-based): chr20:48,971,185, G>C. VCF-style: chr20-48971185-G-C. GRCh37 (hg19) VCF-style: chr20-47587722-G-C.
Other names: c.1253G>C, p.Gly418Ala (NM_001410846.1); short protein forms G419A, G418A.
Identifiers: ClinVar variation 3725268 (VCV003725268.2).

ClinVar aggregate classification (germline): Uncertain significance (1 of 4 stars; one submission).

gnomAD v4.1: 3 of 1,614,032 alleles (0.00019%); highest among the groups gnomAD compares: Non-Finnish European, 0.00025%; no homozygotes.

Submission:

Labcorp Genetics (formerly Invitae), Labcorp
Classification: Uncertain significance. Last evaluated: 2024-12-12. Review status: criteria provided, single submitter. Criteria: Invitae Variant Classification Sherloc (09022015). Collection method: clinical testing. Allele origin: germline.
Comment: This sequence change replaces glycine, which is neutral and non-polar, with alanine, which is neutral and non-polar, at codon 419 of the ARFGEF2 protein (p.Gly419Ala). This variant is present in population databases (no rsID available, gnomAD 0.0009%). This variant has not been reported in the literature in individuals affected with ARFGEF2-related conditions. An algorithm developed to predict the effect of missense changes on protein structure and function (PolyPhen-2) suggests that this variant is likely to be disruptive. In summary, the available evidence is currently insufficient to determine the role of this variant in disease. Therefore, it has been classified as a Variant of Uncertain Significance.